The following is an entry in ClinVar:

NM_004415.4(DSP):c.2842C>G (p.Gln948Glu)

Gene: DSP (desmoplakin; plus strand). Cytogenetic location: 6p24.3.
Variant type: single nucleotide variant.
Coding change: c.2842C>G on transcript NM_004415.4 (MANE Select); coding-DNA position 2842, C replaced by G.
Protein change: p.Gln948Glu; replaces glutamine 948 with glutamic acid.
Molecular consequence: missense variant.
Genome position (GRCh38, 1-based): chr6:7,577,007, C>G. VCF-style: chr6-7577007-C-G. GRCh37 (hg19) VCF-style: chr6-7577240-C-G.
Other names: c.2842C>G, p.Gln948Glu (NM_001008844.3, NM_001319034.2); short protein forms Q948E.
Identifiers: ClinVar variation 1796734 (VCV001796734.2), dbSNP rs1193839306, ClinGen allele CA362682264.

ClinVar aggregate classification (germline): Uncertain significance (1 of 4 stars; one submission).

Conditions:
Cardiovascular phenotype. Identifiers: MedGen CN230736.

gnomAD v4.1: 1 of 1,611,996 alleles (0.000062%); no homozygotes.

Submission:

Ambry Genetics
Classification: Uncertain significance for Cardiovascular phenotype. Last evaluated: 2020-10-07. Review status: criteria provided, single submitter. Criteria: Ambry Variant Classification Scheme 2023. Collection method: clinical testing. Allele origin: germline.
Comment: The p.Q948E variant (also known as c.2842C>G), located in coding exon 20 of the DSP gene, results from a C to G substitution at nucleotide position 2842. The glutamine at codon 948 is replaced by glutamic acid, an amino acid with highly similar properties. This amino acid position is not well conserved in available vertebrate species. In addition, this alteration is predicted to be tolerated by in silico analysis. Since supporting evidence is limited at this time, the clinical significance of this alteration remains unclear.